The following is an entry in ClinVar:

NM_000360.4(TH):c.1277C>T (p.Thr426Met)

Gene: TH (tyrosine hydroxylase; minus strand). Cytogenetic location: 11p15.5.
Variant type: single nucleotide variant.
Coding change: c.1277C>T on transcript NM_000360.4 (MANE Select); coding-DNA position 1277, C replaced by T.
Protein change: p.Thr426Met; replaces threonine 426 with methionine.
Molecular consequence: missense variant.
Genome position (GRCh38, 1-based): chr11:2,165,289, G>A on the plus strand (C>T on the coding strand, the complement: TH is on the minus strand). VCF-style: chr11-2165289-G-A. GRCh37 (hg19) VCF-style: chr11-2186519-G-A.
Other names: p.Thr457Met; c.1370C>T, p.Thr457Met (NM_199292.3); c.1358C>T, p.Thr453Met (NM_199293.3); short protein forms T426M, T453M, T457M.
Identifiers: ClinVar variation 1518193 (VCV001518193.6), dbSNP rs201330304, ClinGen allele CA5818313.
Genomic context (GRCh38, chr11:2,165,289, plus strand): 5'-CACCTGAGCTTGTCCTTGGCGTCACTGAAGCTCTCAGACACGAAGTAGACTGACTGGTAC[G>A]TCTGGTCTTGGTAGGGCTGCACGGCCGCAGCCTCAGGGTCGAAGGCCCGAATCTCAGGCT-3'
Protein context (NP_000351.2, residues 416-436): AAAVQPYQDQ[Thr426Met]YQSVYFVSES

ClinVar aggregate classification (germline): Uncertain significance. Review status: criteria provided, multiple submitters, no conflicts (2 of 4 stars). 2 submissions from 2 submitters: Uncertain significance (2). Last evaluated 2024-08-29.

Conditions:
TH-deficient dopa-responsive dystonia. Also called: Tyrosine Hydroxylase-Deficient Dopa-Responsive Dystonia; Segawa syndrome, autosomal recessive; DYT-TH. Identifiers: Orphanet 101150, MedGen C2673535, MONDO:0011551, OMIM 605407.

Allele frequency attached by ClinVar (database versions not stated): TOPMed 0.00002; gnomAD 0.00003 and 0.00005; gnomAD exomes 0.00009 and 0.00014; ExAC 0.00018.
gnomAD v4.1: 142 of 1,612,746 alleles (0.0088%); highest among the groups gnomAD compares: Non-Finnish European, 0.0052%; no homozygotes.

Submissions (2):

Mayo Clinic Laboratories, Mayo Clinic
Classification: Uncertain significance. Last evaluated: 2024-08-29. Review status: criteria provided, single submitter. Criteria: ACMG Guidelines, 2015. Collection method: clinical testing. Allele origin: germline. Observed: 1 variant allele.
Comment: PM2

Labcorp Genetics (formerly Invitae), Labcorp
Classification: Uncertain significance for TH-deficient dopa-responsive dystonia. Last evaluated: 2022-09-07. Review status: criteria provided, single submitter. Criteria: Invitae Variant Classification Sherloc (09022015). Collection method: clinical testing. Allele origin: germline.
Comment: This sequence change replaces threonine, which is neutral and polar, with methionine, which is neutral and non-polar, at codon 457 of the TH protein (p.Thr457Met). This variant is present in population databases (rs201330304, gnomAD 0.1%), including at least one homozygous and/or hemizygous individual. This variant has not been reported in the literature in individuals affected with TH-related conditions. ClinVar contains an entry for this variant (Variation ID: 1518193). Algorithms developed to predict the effect of missense changes on protein structure and function are either unavailable or do not agree on the potential impact of this missense change (SIFT: "Deleterious"; PolyPhen-2: "Possibly Damaging"; Align-GVGD: "Class C15"). In summary, the available evidence is currently insufficient to determine the role of this variant in disease. Therefore, it has been classified as a Variant of Uncertain Significance.

Literature cited by the submitters: PubMed 29396176 (cited by Mayo Clinic Laboratories, Mayo Clinic).